The following is an entry in ClinVar:

ClinVar aggregate classification (germline): Likely pathogenic (1 of 4 stars; one submission).

Conditions:
Recessive dystrophic epidermolysis bullosa (RDEB). Also called: DYSTROPHIC EPIDERMOLYSIS BULLOSA, AUTOSOMAL RECESSIVE; EPIDERMOLYSIS BULLOSA DYSTROPHICA, HALLOPEAU-SIEMENS TYPE; Hallopeau-Siemens Disease; EPIDERMOLYSIS BULLOSA DYSTROPHICA, GENERALIZED SEVERE, AUTOSOMAL RECESSIVE; severe generalized recessive dystrophic epidermolysis bullosa; Epidermolysis Bullosa Distrophica Autosomal Recessive (RDEB). Identifiers: Orphanet 79408, Orphanet 79409, MedGen C0079474, MONDO:0009179, OMIM 226600.

Submission:

Molecular Genetics Department, Kulakov National Medical Research Center for Obstetrics, Gynecology and Perinatology
Classification: Likely pathogenic for Recessive dystrophic epidermolysis bullosa. Review status: criteria provided, single submitter. Criteria: ACMG Guidelines, 2015. Collection method: clinical testing. Allele origin: maternal. Affected: yes.
Comment: A previously undescribed nucleotide variant creates an alteration of the canonical splice site c.4782+1G>A in the COL7A1 gene. Homozygous and compound heterozygous variants are reported in patients with Epidermolysis bullosa dystrophica, autosomal recessive, 226600. The variant is not present in population database (gnomAD no frequency). In summary, the currently available evidence indicates that the variant is pathogenic, but additional data are needed to prove that conclusively. Therefore, this variant has been classified as likely pathogenic.

NM_000094.4(COL7A1):c.4782+1G>A

Gene: COL7A1 (collagen type VII alpha 1 chain; minus strand). Cytogenetic location: 3p21.31.
Variant type: single nucleotide variant.
Coding change: c.4782+1G>A on transcript NM_000094.4 (MANE Select); the canonical splice donor site of the intron after coding-DNA position 4782, G replaced by A.
Molecular consequence: splice donor variant.
Genome position (GRCh38, 1-based): chr3:48,581,572, C>T on the plus strand (G>A on the coding strand, the complement: COL7A1 is on the minus strand). VCF-style: chr3-48581572-C-T. GRCh37 (hg19) VCF-style: chr3-48619005-C-T.
Identifiers: ClinVar variation 3062272 (VCV003062272.1), dbSNP rs2531107840, ClinGen allele CA352684475.
Genomic context (GRCh38, chr3:48,581,572, plus strand): 5'-TAGTCAGGGTCCCACCACCTCATCTCCCTCTGTCACACTCCCCATTCCCACATTGATTCA[C>T]CCGGTCTCCAGGGTCTCCCTTGGGGCCAGGGTCTCCAGGAAGAACCAAGCCGGGTGGGCC-3'